The following is an entry in ClinVar:

ClinVar aggregate classification (germline): Uncertain significance. Review status: criteria provided, multiple submitters, no conflicts (2 of 4 stars). 3 submissions from 3 submitters: Uncertain significance (3). Last evaluated 2025-04-18.

Conditions:
Hereditary cancer-predisposing syndrome. Also called: Tumor predisposition; Hereditary Cancer Syndrome; Neoplastic Syndromes, Hereditary; Hereditary neoplastic syndrome. Identifiers: Orphanet 140162, MedGen C0027672, MeSH D009386, MONDO:0015356.
Ataxia-telangiectasia syndrome (AT). Also called: Cerebello-oculocutaneous telangiectasia; Immunodeficiency with ataxia telangiectasia; Ataxia-telangiectasia, complementation group D; AT, COMPLEMENTATION GROUP C; Ataxia-telangiectasia, complementation group E; LOUIS-BAR SYNDROME. Identifiers: Orphanet 100, MedGen C0004135, MONDO:0008840, OMIM 208900.

gnomAD v4.1: 4 of 1,613,994 alleles (0.00025%); highest among the groups gnomAD compares: Non-Finnish European, 0.000085%; no homozygotes.

Submissions (3):

Ambry Genetics
Classification: Uncertain significance for Hereditary cancer-predisposing syndrome. Last evaluated: 2025-04-18. Review status: criteria provided, single submitter. Criteria: Ambry Variant Classification Scheme 2023. Collection method: clinical testing. Allele origin: germline.
Comment: The p.R1086L variant (also known as c.3257G>T), located in coding exon 21 of the ATM gene, results from a G to T substitution at nucleotide position 3257. The arginine at codon 1086 is replaced by leucine, an amino acid with dissimilar properties. This amino acid position is not well conserved in available vertebrate species. In addition, the in silico prediction for this alteration is inconclusive. Based on the available evidence, the clinical significance of this variant remains unclear.

Labcorp Genetics (formerly Invitae), Labcorp
Classification: Uncertain significance for Ataxia-telangiectasia syndrome. Last evaluated: 2024-06-19. Review status: criteria provided, single submitter. Criteria: Invitae Variant Classification Sherloc (09022015). Collection method: clinical testing. Allele origin: germline.
Comment: This sequence change replaces arginine, which is basic and polar, with leucine, which is neutral and non-polar, at codon 1086 of the ATM protein (p.Arg1086Leu). This variant is present in population databases (rs769857066, gnomAD no frequency). This variant has not been reported in the literature in individuals affected with ATM-related conditions. ClinVar contains an entry for this variant (Variation ID: 453456). An algorithm developed to predict the effect of missense changes on protein structure and function (PolyPhen-2) suggests that this variant is likely to be tolerated. In summary, the available evidence is currently insufficient to determine the role of this variant in disease. Therefore, it has been classified as a Variant of Uncertain Significance.

Color Diagnostics, LLC DBA Color Health
Classification: Uncertain significance for Hereditary cancer-predisposing syndrome. Last evaluated: 2024-06-18. Review status: criteria provided, single submitter. Criteria: ACMG Guidelines, 2015. Collection method: clinical testing. Allele origin: germline.
Comment: This missense variant replaces arginine with leucine at codon 1086 of the ATM protein. Computational prediction suggests that this variant may not impact protein structure and function. To our knowledge, functional studies have not been reported for this variant. In an international breast cancer case-control meta-analysis, this variant was absent in 60466 breast cancer cases and detected in 1/53461 unaffected controls (PMID: 33471991). This variant has been identified in 1/251176 chromosomes in the general population by the Genome Aggregation Database (gnomAD). The available evidence is insufficient to determine the role of this variant in disease conclusively. Therefore, this variant is classified as a Variant of Uncertain Significance.

Literature cited by the submitters: PubMed 33471991 (cited by Color Diagnostics, LLC DBA Color Health).

NM_000051.4(ATM):c.3257G>T (p.Arg1086Leu)

Gene: ATM (ATM serine/threonine kinase; plus strand). Cytogenetic location: 11q22.3.
Variant type: single nucleotide variant.
Coding change: c.3257G>T on transcript NM_000051.4 (MANE Select); coding-DNA position 3257, G replaced by T.
Protein change: p.Arg1086Leu; replaces arginine 1086 with leucine.
Molecular consequence: missense variant.
Genome position (GRCh38, 1-based): chr11:108,272,825, G>T. VCF-style: chr11-108272825-G-T. GRCh37 (hg19) VCF-style: chr11-108143552-G-T.
Other names: c.3257G>T, p.Arg1086Leu (NM_001351834.2); short protein forms R1086L.
Identifiers: ClinVar variation 453456 (VCV000453456.12), dbSNP rs769857066, ClinGen allele CA6265235.